The following is an entry in ClinVar:

NM_001270974.2(HYDIN):c.1566C>G (p.Val522=)

Gene: HYDIN (HYDIN axonemal central pair apparatus protein; minus strand). Cytogenetic location: 16q22.2.
Variant type: single nucleotide variant.
Coding change: c.1566C>G on transcript NM_001270974.2 (MANE Select); coding-DNA position 1566, C replaced by G.
Protein change: p.Val522=; no amino-acid change (valine 522 retained).
Molecular consequence: synonymous variant.
Genome position (GRCh38, 1-based): chr16:71,088,405, G>C on the plus strand (C>G on the coding strand, the complement: HYDIN is on the minus strand). VCF-style: chr16-71088405-G-C. GRCh37 (hg19) VCF-style: chr16-71122308-G-C.
Other names: c.1647C>G, p.Val549= (NM_001198542.1); c.1617C>G, p.Val539= (NM_001198543.1); c.1566C>G, p.Val522= (NM_017558.5).
Identifiers: ClinVar variation 4872154 (VCV004872154.2).
Genomic context (GRCh38, chr16:71,088,405, plus strand): 5'-CAGGAACTCTTCTTCAAAGTTTCCCAGGATGGTAGAGCTGAAGGAGATCTGGATAGCTTG[G>C]ACTCCACTTGGTTCAATGATGCCTTCCTTGGGACTGAAAACAAAGCAGGCCCCCAAAGCT-3'
Protein context (NP_001257903.1, residues 512-532): PKEGIIEPSG[Val522=]QAIQISFSST

ClinVar aggregate classification (germline): Likely benign (1 of 4 stars; one submission).

Submission:

CeGaT Center for Human Genetics Tuebingen
Classification: Likely benign. Last evaluated: 2026-06-01. Review status: criteria provided, single submitter. Criteria: CeGaT Center For Human Genetics Tuebingen Variant Classification Criteria Version 2. Collection method: clinical testing. Allele origin: germline. Affected: yes. Observed: 1 variant allele.
Comment: HYDIN: BP4, BP7